The following is an entry in ClinVar:

NM_001012759.3(CTU2):c.1098-9C>T

Gene: CTU2 (cytosolic thiouridylase subunit 2; plus strand). Cytogenetic location: 16q24.3.
Variant type: single nucleotide variant.
Coding change: c.1098-9C>T on transcript NM_001012759.3 (MANE Select); 9 bases into the intron before coding-DNA position 1098, C replaced by T.
Molecular consequence: intron variant.
Genome position (GRCh38, 1-based): chr16:88,714,374, C>T. VCF-style: chr16-88714374-C-T. GRCh37 (hg19) VCF-style: chr16-88780782-C-T.
Other names: c.1311-9C>T (NM_001318507.2); c.1098-9C>T (NM_001012762.3, NM_001012759.2); c.837-9C>T (NM_001318513.2).
Identifiers: ClinVar variation 1534843 (VCV001534843.10), dbSNP rs200518996, ClinGen allele CA8230840.

ClinVar aggregate classification (germline): Likely benign. Review status: criteria provided, single submitter (1 of 4 stars). 2 submissions from 2 submitters: Likely benign (1). 1 of the submissions does not count toward it. Last evaluated 2024-01-16.

Conditions:
CTU2-related disorder. Also called: CTU2-related condition.

Allele frequency attached by ClinVar (database versions not stated): gnomAD exomes 0.00014; ESP Exome Variant Server 0.00015; ExAC 0.00016; gnomAD 0.00028 and 0.00029; TOPMed 0.00032; 1000 Genomes Project 0.00040; 1000 Genomes Project 30x 0.00047.
gnomAD v4.1: 176 of 1,612,200 alleles (0.011%); highest among the groups gnomAD compares: African/African-American, 0.071%; 1 homozygote.

Submissions (2):

Labcorp Genetics (formerly Invitae), Labcorp
Classification: Likely benign. Last evaluated: 2024-01-16. Review status: criteria provided, single submitter. Criteria: Invitae Variant Classification Sherloc (09022015). Collection method: clinical testing. Allele origin: germline.

PreventionGenetics, part of Exact Sciences
Classification: Likely benign for CTU2-related condition. Last evaluated: 2021-08-24. Review status: no assertion criteria provided. Collection method: clinical testing. Allele origin: germline. Not counted in ClinVar's aggregate classification.
Comment: This variant is classified as likely benign based on ACMG/AMP sequence variant interpretation guidelines (Richards et al. 2015 PMID: 25741868, with internal and published modifications).